The following is an entry in ClinVar:

NM_001165963.4(SCN1A):c.4823del (p.Asp1608fs)

Genes: SCN1A (sodium voltage-gated channel alpha subunit 1; minus strand), LOC102724058 (uncharacterized LOC102724058; plus strand). Cytogenetic location: 2q24.3.
Variant type: Deletion.
Coding change: c.4823del on transcript NM_001165963.4 (MANE Select); coding-DNA position 4823, one base deleted (A; older notation c.4823delA).
Protein change: p.Asp1608fs; shifts the reading frame from aspartic acid 1608.
Molecular consequence: frameshift variant. On other transcripts: non-coding transcript variant (1).
Genome position (GRCh38, 1-based): chr2:165,994,175, T deleted on the plus strand (A on the coding strand, the reverse complement: SCN1A is on the minus strand). VCF-style (leftmost placement, unchanged base first): chr2-165994174-AT-A. GRCh37 (hg19) VCF-style: chr2-166850684-AT-A.
Other names: c.4739del, p.Asp1580fs (NM_001165964.3, NM_001353957.2, NM_001353958.2); c.4823del, p.Asp1608fs (NM_001202435.3, NM_001353948.2); c.4790del, p.Asp1597fs (NM_001353949.2, NM_001353950.2, NM_001353951.2 and 2 more transcripts); c.4787del, p.Asp1596fs (NM_001353954.2, NM_001353955.2); c.4736del, p.Asp1579fs (NM_001353960.2); c.2381del, p.Asp794fs (NM_001353961.2); short protein forms D1579fs, D1580fs, D1608fs, D794fs, D1597fs, D1596fs.
Identifiers: ClinVar variation 189948 (VCV000189948.1), dbSNP rs794726785, ClinGen allele CA303382.

ClinVar aggregate classification (germline): Pathogenic (1 of 4 stars; one submission).

Conditions:
Severe myoclonic epilepsy in infancy (DRVT). Also called: Epileptic encephalopathy, early infantile, 6 (Dravet syndrome); SEVERE MYOCLONIC EPILEPSY OF INFANCY; DEVELOPMENTAL AND EPILEPTIC ENCEPHALOPATHY 6A; Severe Myoclonic Epilepsy in Infancy (SMEI); Dravet syndrome. Identifiers: Orphanet 33069, MedGen C0751122, MONDO:0100135, OMIM 607208.

Submission:

Center for Bioinformatics, Peking University
Classification: Pathogenic for Dravet syndrome. Last evaluated: 2014-12-20. Review status: criteria provided, single submitter. Criteria: Xu et al. (Hum Mutat. 2015). Collection method: research. Allele origin: de novo. Affected: yes. Observed: 1 variant allele. Study: University Clinical Cooperation “985 Project” PKU-2014-1-1.
Comment: Dravet syndrome (DS) probands were recruited from the outpatient and inpatient child neurology units of Peking University First Hospital from 2005 till present. The study was approved by the Ethics Committee of Peking University First Hospital and the Institutional Review Board at Peking University. Participants or their parents provided written informed consent before enrollment. We collected a total of 267 mutations from 255 families with probands diagnosed with DS in China. All probands fulfilled the clinical diagnostic criteria.